The following is an entry in ClinVar:

NC_000017.10:g.(?_15903137)_(15932719_?)dup

Gene: TTC19 (tetratricopeptide repeat domain 19; plus strand). Cytogenetic location: 17p12.
Variant type: Duplication.
Identifiers: ClinVar variation 3896400 (VCV003896400.2).

ClinVar aggregate classification (germline): Uncertain significance (1 of 4 stars; one submission).

Submission:

Women's Health and Genetics/Laboratory Corporation of America, LabCorp
Classification: Uncertain significance. Last evaluated: 2025-04-08. Review status: criteria provided, single submitter. Criteria: LabCorp Variant Classification Summary - May 2015. Collection method: clinical testing. Allele origin: germline.
Comment: Variant summary: The variant involves the duplication of exons 1-10 in the TTC19 gene. A presumed nomenclature of c.(?_-26)_(*1883_?)dup has been designated for the purposes of this classification. This duplication includes the entire coding sequence of the gene. As exact breakpoints are unknown, it may extend beyond the annotated region of the gene, to include other flanking genes. The variant was absent in 21694 control chromosomes. The available data on variant occurrences in the general population are insufficient to allow any conclusion about variant significance. To our knowledge, no occurrence of c.(?_-26)_(*1883_?)dup in individuals affected with Mitochondrial Complex III Deficiency Nuclear Type 2 and no experimental evidence demonstrating its impact on protein function have been reported. ClinVar contains an entry for this variant (Variation ID: 1484361). Based on the evidence outlined above, the variant was classified as uncertain significance.